The following is an entry in ClinVar:

ClinVar aggregate classification (germline): Uncertain significance. Review status: criteria provided, multiple submitters, no conflicts (2 of 4 stars). 2 submissions from 2 submitters: Uncertain significance (2). Last evaluated 2023-10-06.

Conditions:
Cardiovascular phenotype. Identifiers: MedGen CN230736.
Ehlers-Danlos syndrome, classic type, 1 (EDSCL1). Also called: EHLERS-DANLOS SYNDROME, GRAVIS TYPE; EHLERS-DANLOS SYNDROME, SEVERE CLASSIC TYPE; Ehlers-Danlos syndrome, type 1; Ehlers-Danlos Syndrome, Classic Type, COL5A1-Related; EDS I. Identifiers: MedGen C0268335, MONDO:0019567, OMIM 130000.
Osteogenesis imperfecta type I (OI1). Also called: OI, TYPE I; OSTEOGENESIS IMPERFECTA TARDA; OSTEOGENESIS IMPERFECTA WITH BLUE SCLERAE; Osteogenesis imperfecta type 1; Lobstein's Disease; Lobstein disease. Identifiers: Orphanet 216796, Orphanet 666, MedGen C0023931, MONDO:0008146, OMIM 166200. Disease mechanism: loss of function.

Allele frequency attached by ClinVar (database versions not stated): gnomAD exomes 0.00004; gnomAD 0.00001; ExAC 0.00004.
gnomAD v4.1: 21 of 1,614,038 alleles (0.0013%); highest among the groups gnomAD compares: South Asian, 0.0088%; no homozygotes.

Submissions (2):

Ambry Genetics
Classification: Uncertain significance for Cardiovascular phenotype. Last evaluated: 2023-10-06. Review status: criteria provided, single submitter. Criteria: Ambry Variant Classification Scheme 2023. Collection method: clinical testing. Allele origin: germline.
Comment: The p.R714H variant (also known as c.2141G>A), located in coding exon 36 of the COL1A2 gene, results from a G to A substitution at nucleotide position 2141. The arginine at codon 714 is replaced by histidine, an amino acid with highly similar properties. This amino acid position is highly conserved in available vertebrate species. In addition, the in silico prediction for this alteration is inconclusive. Since supporting evidence is limited at this time, the clinical significance of this alteration remains unclear.

Labcorp Genetics (formerly Invitae), Labcorp
Classification: Uncertain significance for Osteogenesis imperfecta type I; Ehlers-Danlos syndrome, classic type, 1. Last evaluated: 2022-08-09. Review status: criteria provided, single submitter. Criteria: Invitae Variant Classification Sherloc (09022015). Collection method: clinical testing. Allele origin: germline.
Comment: This sequence change replaces arginine, which is basic and polar, with histidine, which is basic and polar, at codon 714 of the COL1A2 protein (p.Arg714His). This variant is present in population databases (rs773392397, gnomAD 0.01%). This variant has not been reported in the literature in individuals affected with COL1A2-related conditions. ClinVar contains an entry for this variant (Variation ID: 1418886). Algorithms developed to predict the effect of missense changes on protein structure and function are either unavailable or do not agree on the potential impact of this missense change (SIFT: "Deleterious"; PolyPhen-2: "Not Available"; Align-GVGD: "Class C25"). In summary, the available evidence is currently insufficient to determine the role of this variant in disease. Therefore, it has been classified as a Variant of Uncertain Significance.

NM_000089.4(COL1A2):c.2141G>A (p.Arg714His)

Gene: COL1A2 (collagen type I alpha 2 chain; plus strand). Cytogenetic location: 7q21.3.
Variant type: single nucleotide variant.
Coding change: c.2141G>A on transcript NM_000089.4 (MANE Select); coding-DNA position 2141, G replaced by A.
Protein change: p.Arg714His; replaces arginine 714 with histidine.
Molecular consequence: missense variant.
Genome position (GRCh38, 1-based): chr7:94,420,398, G>A. VCF-style: chr7-94420398-G-A. GRCh37 (hg19) VCF-style: chr7-94049710-G-A.
Other names: c.2141G>A (NM_000089.3); short protein forms R714H.
Identifiers: ClinVar variation 1418886 (VCV001418886.7), dbSNP rs773392397, ClinGen allele CA4347335.